The following is an entry in ClinVar:

ClinVar aggregate classification (germline): Conflicting classifications of pathogenicity. Review status: criteria provided, conflicting classifications (1 of 4 stars). 2 submissions from 2 submitters: Likely pathogenic (1); Uncertain significance (1). Last evaluated 2024-12-17.

Conditions:
Familial adenomatous polyposis 1 (FAP1). Also called: FAMILIAL ADENOMATOUS POLYPOSIS 1, ATTENUATED; POLYPOSIS, ADENOMATOUS INTESTINAL. Identifiers: MedGen C2713442, MONDO:0021056, OMIM 175100. Disease mechanism: loss of function.
Hereditary cancer-predisposing syndrome. Also called: Neoplastic Syndromes, Hereditary; Tumor predisposition; Hereditary neoplastic syndrome; Hereditary Cancer Syndrome. Identifiers: Orphanet 140162, MedGen C0027672, MeSH D009386, MONDO:0015356.

Submissions (2):

Ambry Genetics
Classification: Uncertain significance for Hereditary cancer-predisposing syndrome. Last evaluated: 2024-12-17. Review status: criteria provided, single submitter. Criteria: Ambry Variant Classification Scheme 2023. Collection method: clinical testing. Allele origin: germline.
Comment: The c.1313-2A>G intronic variant results from an A to G substitution two nucleotides upstream from coding exon 10 in the APC gene. This nucleotide position is highly conserved in available vertebrate species. In silico splice site analysis predicts that this alteration will weaken the native splice acceptor site and will result in the creation or strengthening of a novel splice acceptor site. RNA studies have demonstrated that this alteration results in a transcript predicted to lead to a protein with an in-frame deletion of two amino acids and an insertion of one amino acid; however, the exact functional impact of the affected amino acids is unknown at this time (Ambry internal data). Based on the available evidence, the clinical significance of this variant remains unclear.

Labcorp Genetics (formerly Invitae), Labcorp
Classification: Likely pathogenic for Familial adenomatous polyposis 1. Last evaluated: 2018-05-21. Review status: criteria provided, single submitter. Criteria: Invitae Variant Classification Sherloc (09022015). Collection method: clinical testing. Allele origin: germline.
Comment: In summary, the currently available evidence indicates that the variant is pathogenic, but additional data are needed to prove that conclusively. Therefore, this variant has been classified as Likely Pathogenic. Donor and acceptor splice site variants typically lead to a loss of protein function (PMID: 16199547), and loss-of-function variants in APC are known to be pathogenic (PMID: 17963004, 20685668). This variant has not been reported in the literature in individuals with APC-related disease. This variant is not present in population databases (ExAC no frequency). This sequence change affects an acceptor splice site in intron 10 of the APC gene. It is expected to disrupt RNA splicing and likely results in an absent or disrupted protein product.

Literature cited by the submitters: PubMed 16199547 (cited by Labcorp Genetics (formerly Invitae), Labcorp); PubMed 17963004 (cited by Labcorp Genetics (formerly Invitae), Labcorp); PubMed 20685668 (cited by Labcorp Genetics (formerly Invitae), Labcorp).

NM_000038.6(APC):c.1313-2A>G

Gene: APC (APC regulator of Wnt signaling pathway; plus strand). Cytogenetic location: 5q22.2.
Variant type: single nucleotide variant.
Coding change: c.1313-2A>G on transcript NM_000038.6 (MANE Select); the canonical splice acceptor site of the intron before coding-DNA position 1313, A replaced by G.
Molecular consequence: splice acceptor variant.
Genome position (GRCh38, 1-based): chr5:112,821,894, A>G. VCF-style: chr5-112821894-A-G. GRCh37 (hg19) VCF-style: chr5-112157591-A-G.
Other names: c.464-2A>G (NM_001407470.1, NM_001354906.2); c.161-2A>G (NM_001407472.1, NM_001407471.1); c.1313-2A>G (NM_001407447.1, NM_001354895.2, NM_001407448.1 and 4 more transcripts); c.1010-2A>G (NM_001407456.1, NM_001407460.1, NM_001407457.1 and 5 more transcripts); c.1229-2A>G (NM_001407452.1, NM_001354899.2); c.926-2A>G (NM_001407469.1, NM_001407467.1); c.1343-2A>G (NM_001407446.1, NM_001354897.2); c.1040-2A>G (NM_001354902.2); and 5 more.
Identifiers: ClinVar variation 578480 (VCV000578480.11), dbSNP rs1561545780, ClinGen allele CA360619526.